The following is an entry in ClinVar:

NM_000535.7(PMS2):c.1009dup (p.Thr337fs)

Gene: PMS2 (PMS1 homolog 2, mismatch repair system component; minus strand). Cytogenetic location: 7p22.1.
Variant type: Duplication.
Coding change: c.1009dup on transcript NM_000535.7 (MANE Select); coding-DNA position 1009, one base duplicated (A; older notation c.1009dupA).
Protein change: p.Thr337fs; shifts the reading frame from threonine 337.
Molecular consequence: frameshift variant. On other transcripts: non-coding transcript variant (1), intron variant (2).
Genome position (GRCh38, 1-based): chr7:5,989,935, T duplicated on the plus strand (A on the coding strand, the reverse complement: PMS2 is on the minus strand). VCF-style (leftmost placement, unchanged base first): chr7-5989934-G-GT. GRCh37 (hg19) VCF-style: chr7-6029565-G-GT.
Other names: c.604dup, p.Thr202fs (NM_001322003.2, NM_001322004.2, NM_001322005.2 and 1 more transcripts); c.691dup, p.Thr231fs (NM_001322007.2, NM_001322008.2); c.76dup, p.Thr26fs (NM_001322011.2, NM_001322012.2); c.436dup, p.Thr146fs (NM_001322013.2); c.1009dup, p.Thr337fs (NM_001322014.2); c.700dup, p.Thr234fs (NM_001322015.2); c.583+2038dup (NM_001322010.2); c.988+2038dup (NM_001322006.2); short protein forms T146fs, T202fs, T231fs, T234fs, T26fs, T337fs.
Identifiers: ClinVar variation 1074859 (VCV001074859.8), dbSNP rs1214597671, ClinGen allele CA572822670.

ClinVar aggregate classification (germline): Pathogenic. Review status: criteria provided, multiple submitters, no conflicts (2 of 4 stars). 2 submissions from 2 submitters: Pathogenic (2). Last evaluated 2025-03-19.

Conditions:
Hereditary nonpolyposis colorectal neoplasms. Identifiers: MedGen C0009405, MeSH D003123.
Lynch syndrome 4 (LYNCH4). Also called: Colorectal cancer, hereditary nonpolyposis, type 4; Hereditary non-polyposis colorectal cancer, type 4. Identifiers: Orphanet 144, MedGen C1838333, MONDO:0013699, OMIM 614337. Disease mechanism: loss of function.

Allele frequency attached by ClinVar (database versions not stated): gnomAD exomes below 0.00001.

Submissions (2):

Labcorp Genetics (formerly Invitae), Labcorp
Classification: Pathogenic for Hereditary nonpolyposis colorectal neoplasms. Last evaluated: 2025-03-19. Review status: criteria provided, single submitter. Criteria: Invitae Variant Classification Sherloc (09022015). Collection method: clinical testing. Allele origin: germline.
Comment: This sequence change creates a premature translational stop signal (p.Thr337Asnfs*4) in the PMS2 gene. It is expected to result in an absent or disrupted protein product. Loss-of-function variants in PMS2 are known to be pathogenic (PMID: 21376568, 24362816). This variant is present in population databases (no rsID available, gnomAD 0.0009%). This variant has not been reported in the literature in individuals affected with PMS2-related conditions. ClinVar contains an entry for this variant (Variation ID: 1074859). For these reasons, this variant has been classified as Pathogenic.

Myriad Genetics, Inc.
Classification: Pathogenic for Lynch syndrome 4. Last evaluated: 2023-09-20. Review status: criteria provided, single submitter. Criteria: Myriad Autosomal Dominant, Autosomal Recessive and X-Linked Classification Criteria (2023). Collection method: clinical testing. Allele origin: unknown.
Comment: This variant is considered pathogenic. This variant creates a frameshift predicted to result in premature protein truncation.

Literature cited by the submitters: PubMed 21376568 (cited by Labcorp Genetics (formerly Invitae), Labcorp); PubMed 24362816 (cited by Labcorp Genetics (formerly Invitae), Labcorp).